The following is an entry in ClinVar:

ClinVar aggregate classification (germline): Uncertain significance (1 of 4 stars; one submission).

Conditions:
Cohen syndrome (COH1). Also called: PEPPER SYNDROME; Cutis verticis gyrata, retinitis pigmentosa, and sensorineural deafness. Identifiers: Orphanet 193, MedGen C0265223, MONDO:0008999, OMIM 216550.

Allele frequency attached by ClinVar (database versions not stated): gnomAD exomes below 0.00001 and 0.00001; ExAC 0.00001; TOPMed 0.00001.
gnomAD v4.1: 2 of 1,614,012 alleles (0.00012%); highest among the groups gnomAD compares: Admixed American, 0.0033%; no homozygotes.

Submission:

Labcorp Genetics (formerly Invitae), Labcorp
Classification: Uncertain significance for Cohen syndrome. Last evaluated: 2022-11-15. Review status: criteria provided, single submitter. Criteria: Invitae Variant Classification Sherloc (09022015). Collection method: clinical testing. Allele origin: germline.
Comment: This sequence change replaces methionine with leucine at codon 2577 of the VPS13B protein (p.Met2577Leu). The methionine residue is weakly conserved and there is a small physicochemical difference between methionine and leucine. This variant is present in population databases (rs747240552, gnomAD 0.006%). This variant has not been reported in the literature in individuals affected with VPS13B-related conditions. ClinVar contains an entry for this variant (Variation ID: 1435701). Advanced modeling of protein sequence and biophysical properties (such as structural, functional, and spatial information, amino acid conservation, physicochemical variation, residue mobility, and thermodynamic stability) performed at Invitae indicates that this missense variant is not expected to disrupt VPS13B protein function. In summary, the available evidence is currently insufficient to determine the role of this variant in disease. Therefore, it has been classified as a Variant of Uncertain Significance.

NM_152564.5(VPS13B):c.7654A>T (p.Met2552Leu)

Gene: VPS13B (vacuolar protein sorting 13 homolog B; plus strand). Cytogenetic location: 8q22.2.
Variant type: single nucleotide variant.
Coding change: c.7654A>T on transcript NM_152564.5 (MANE Select); coding-DNA position 7654, A replaced by T.
Protein change: p.Met2552Leu; replaces methionine 2552 with leucine.
Molecular consequence: missense variant.
Genome position (GRCh38, 1-based): chr8:99,778,906, A>T. VCF-style: chr8-99778906-A-T. GRCh37 (hg19) VCF-style: chr8-100791134-A-T.
Other names: c.7729A>T, p.Met2577Leu (NM_017890.5); short protein forms M2552L, M2577L.
Identifiers: ClinVar variation 1435701 (VCV001435701.7), dbSNP rs747240552, ClinGen allele CA4824260.